The following is an entry in ClinVar:

NM_001012339.3(DNAJC21):c.821G>A (p.Arg274Gln)

Gene: DNAJC21 (DnaJ heat shock protein family (Hsp40) member C21; plus strand). Cytogenetic location: 5p13.2.
Variant type: single nucleotide variant.
Coding change: c.821G>A on transcript NM_001012339.3 (MANE Select); coding-DNA position 821, G replaced by A.
Protein change: p.Arg274Gln; replaces arginine 274 with glutamine.
Molecular consequence: missense variant.
Genome position (GRCh38, 1-based): chr5:34,938,935, G>A. VCF-style: chr5-34938935-G-A. GRCh37 (hg19) VCF-style: chr5-34939040-G-A.
Other names: c.821G>A, p.Arg274Gln (NM_001348420.2, NM_194283.4); short protein forms R274Q.
Identifiers: ClinVar variation 721326 (VCV000721326.14), dbSNP rs77129269, ClinGen allele CA3228590.
Genomic context (GRCh38, chr5:34,938,935, plus strand): 5'-GAGAACAGAGCTGGATGACTATGGCCAATTTGGAGAAAGAGCTCCAGGAGATGGAGGCAC[G>A]GTACGAGAAGGAGTTTGGAGATGGATCGGATGAAAATGAAATGGAAGAACATGAACTCAA-3'
Protein context (NP_001012339.2, residues 264-284): LEKELQEMEA[Arg274Gln]YEKEFGDGSD

ClinVar aggregate classification (germline): Benign/Likely benign. Review status: criteria provided, multiple submitters, no conflicts (2 of 4 stars). 5 submissions from 5 submitters: Benign (2); Likely benign (2). 1 of the submissions does not count toward it. Last evaluated 2026-01-20.

Conditions:
DNAJC21-related disorder. Also called: DNAJC21-related condition.
Shwachman-Diamond syndrome 1 (SDS1). Also called: LIPOMATOSIS OF PANCREAS, CONGENITAL. Identifiers: MedGen C4692625, MONDO:0044204, OMIM 260400.
Bone marrow failure syndrome 3 (BMFS3). Identifiers: MedGen C4310744, MONDO:0014887, OMIM 617052.

Allele frequency attached by ClinVar (database versions not stated): gnomAD 0.00036 and 0.00042; TOPMed 0.00063; ExAC 0.00100; gnomAD exomes 0.00103; 1000 Genomes Project 0.00140; 1000 Genomes Project 30x 0.00141.
gnomAD v4.1: 382 of 1,614,022 alleles (0.024%); highest among the groups gnomAD compares: East Asian, 0.74%; no homozygotes.

Submissions (5):

Labcorp Genetics (formerly Invitae), Labcorp
Classification: Benign. Last evaluated: 2026-01-20. Review status: criteria provided, single submitter. Criteria: Invitae Variant Classification Sherloc (09022015). Collection method: clinical testing. Allele origin: germline.

Blueprint Genetics
Classification: Likely benign. Last evaluated: 2024-10-09. Review status: criteria provided, single submitter. Criteria: ACMG Guidelines, 2015. Collection method: clinical testing. Allele origin: germline.

Fulgent Genetics
Classification: Likely benign for Shwachman-Diamond syndrome 1; Bone marrow failure syndrome 3. Last evaluated: 2021-09-13. Review status: criteria provided, single submitter. Criteria: ACMG Guidelines, 2015. Collection method: clinical testing. Allele origin: unknown.

Breakthrough Genomics
Classification: Benign. Review status: criteria provided, single submitter. Criteria: ACMG Guidelines, 2015. Collection method: not provided. Allele origin: germline. Inheritance: Autosomal recessive inheritance. Affected: yes.

PreventionGenetics, part of Exact Sciences
Classification: Likely benign for DNAJC21-related condition. Last evaluated: 2022-03-31. Review status: no assertion criteria provided. Collection method: clinical testing. Allele origin: germline. Not counted in ClinVar's aggregate classification.
Comment: This variant is classified as likely benign based on ACMG/AMP sequence variant interpretation guidelines (Richards et al. 2015 PMID: 25741868, with internal and published modifications).